The following is an entry in ClinVar:

NM_145728.3(SYNM):c.1839A>G (p.Ala613=)

Gene: SYNM (synemin; plus strand). Cytogenetic location: 15q26.3.
Variant type: single nucleotide variant.
Coding change: c.1839A>G on transcript NM_145728.3 (MANE Select); coding-DNA position 1839, A replaced by G.
Protein change: p.Ala613=; no amino-acid change (alanine 613 retained).
Molecular consequence: synonymous variant.
Genome position (GRCh38, 1-based): chr15:99,130,199, A>G. VCF-style: chr15-99130199-A-G. GRCh37 (hg19) VCF-style: chr15-99670404-A-G.
Other names: c.1839A>G, p.Ala613= (NM_015286.6).
Identifiers: ClinVar variation 3031508 (VCV003031508.1), dbSNP rs782282370, ClinGen allele CA7753614.

ClinVar aggregate classification (germline): Likely benign (1 of 4 stars; one submission).

Conditions:
SYNM-related disorder. Also called: SYNM-related condition.

Allele frequency attached by ClinVar (database versions not stated): ExAC 0.00001.

Submission:

PreventionGenetics, part of Exact Sciences
Classification: Likely benign for SYNM-related condition. Last evaluated: 2022-11-15. Review status: criteria provided, single submitter. Criteria: ACMG Guidelines, 2015. Collection method: clinical testing. Allele origin: germline.
Comment: This variant is classified as likely benign based on ACMG/AMP sequence variant interpretation guidelines (Richards et al. 2015 PMID: 25741868, with internal and published modifications).